The following is an entry in ClinVar:

NM_001142800.2(EYS):c.2415C>A (p.Asn805Lys)

Gene: EYS (EGF-like photoreceptor maintenance factor; minus strand). Cytogenetic location: 6q12.
Variant type: single nucleotide variant.
Coding change: c.2415C>A on transcript NM_001142800.2 (MANE Select); coding-DNA position 2415, C replaced by A.
Protein change: p.Asn805Lys; replaces asparagine 805 with lysine.
Molecular consequence: missense variant.
Genome position (GRCh38, 1-based): chr6:64,912,710, G>T on the plus strand (C>A on the coding strand, the complement: EYS is on the minus strand). VCF-style: chr6-64912710-G-T. GRCh37 (hg19) VCF-style: chr6-65622603-G-T.
Other names: c.2415C>A, p.Asn805Lys (NM_001292009.2); short protein forms N805K.
Identifiers: ClinVar variation 1525716 (VCV001525716.8), dbSNP rs2150076923, ClinGen allele CA364786577.

ClinVar aggregate classification (germline): Uncertain significance (1 of 4 stars; one submission).

Submission:

Labcorp Genetics (formerly Invitae), Labcorp
Classification: Uncertain significance. Last evaluated: 2024-02-23. Review status: criteria provided, single submitter. Criteria: Invitae Variant Classification Sherloc (09022015). Collection method: clinical testing. Allele origin: germline.
Comment: This sequence change replaces asparagine, which is neutral and polar, with lysine, which is basic and polar, at codon 805 of the EYS protein (p.Asn805Lys). This variant is not present in population databases (gnomAD no frequency). This variant has not been reported in the literature in individuals affected with EYS-related conditions. ClinVar contains an entry for this variant (Variation ID: 1525716). Algorithms developed to predict the effect of missense changes on protein structure and function output the following: SIFT: "Not Available"; PolyPhen-2: "Probably Damaging"; Align-GVGD: "Not Available". The lysine amino acid residue is found in multiple mammalian species, which suggests that this missense change does not adversely affect protein function. In summary, the available evidence is currently insufficient to determine the role of this variant in disease. Therefore, it has been classified as a Variant of Uncertain Significance.